The following is an entry in ClinVar:

ClinVar aggregate classification (germline): Benign/Likely benign. Review status: criteria provided, multiple submitters, no conflicts (2 of 4 stars). 3 submissions from 3 submitters: Benign (1); Likely benign (2). Last evaluated 2026-07-01.

Conditions:
Tyrosinemia type III. Also called: 4-HYDROXYPHENYLPYRUVIC ACID OXIDASE DEFICIENCY; Tyrosinemia type 3; 4-alpha hydroxyphenylpyruvic acid oxidase deficiency; 4-alpha hydroxyphenylpyruvate dioxygenase deficiency; 4-Hydroxyphenylpyruvate dioxygenase deficiency. Identifiers: Orphanet 69723, MedGen C0268623, MONDO:0010162, OMIM 276710.
Hawkinsinuria. Identifiers: Orphanet 2118, MedGen C2931042, MONDO:0007700, OMIM 140350, HP:0034457.

Allele frequency attached by ClinVar (database versions not stated): gnomAD exomes 0.00066; ExAC 0.00085; gnomAD 0.00237 and 0.00253; 1000 Genomes Project 0.00240; 1000 Genomes Project 30x 0.00250; TOPMed 0.00273; ESP Exome Variant Server 0.00384.
gnomAD v4.1: 720 of 1,613,888 alleles (0.045%); highest among the groups gnomAD compares: African/African-American, 0.77%; 1 homozygote.

Submissions (3):

CeGaT Center for Human Genetics Tuebingen
Classification: Likely benign. Last evaluated: 2026-07-01. Review status: criteria provided, single submitter. Criteria: CeGaT Center For Human Genetics Tuebingen Variant Classification Criteria Version 2. Collection method: clinical testing. Allele origin: germline. Affected: yes. Observed: 3 variant alleles.
Comment: HPD: BP4, BP7

Labcorp Genetics (formerly Invitae), Labcorp
Classification: Benign for Tyrosinemia type III; Hawkinsinuria. Last evaluated: 2026-01-28. Review status: criteria provided, single submitter. Criteria: Invitae Variant Classification Sherloc (09022015). Collection method: clinical testing. Allele origin: germline.

Blueprint Genetics
Classification: Likely benign. Last evaluated: 2024-10-30. Review status: criteria provided, single submitter. Criteria: ACMG Guidelines, 2015. Collection method: clinical testing. Allele origin: germline.

NM_002150.3(HPD):c.342C>T (p.Gly114=)

Genes: HPD (4-hydroxyphenylpyruvate dioxygenase; minus strand), TIALD (transcript inducer of AURKA lysosomal degradation; plus strand). Cytogenetic location: 12q24.31.
Variant type: single nucleotide variant.
Coding change: c.342C>T on transcript NM_002150.3 (MANE Select); coding-DNA position 342, C replaced by T.
Protein change: p.Gly114=; no amino-acid change (glycine 114 retained).
Molecular consequence: synonymous variant.
Genome position (GRCh38, 1-based): chr12:121,854,775, G>A on the plus strand (C>T on the coding strand, the complement: HPD is on the minus strand). VCF-style: chr12-121854775-G-A. GRCh37 (hg19) VCF-style: chr12-122292681-G-A.
Other names: c.225C>T, p.Gly75= (NM_001171993.2).
Identifiers: ClinVar variation 786262 (VCV000786262.16), dbSNP rs61742674, ClinGen allele CA6839693.